The following is an entry in ClinVar:

NM_001128178.3(NPHP1):c.782C>T (p.Thr261Ile)

Gene: NPHP1 (nephrocystin 1; minus strand). Cytogenetic location: 2q13.
Variant type: single nucleotide variant.
Coding change: c.782C>T on transcript NM_001128178.3 (MANE Select); coding-DNA position 782, C replaced by T.
Protein change: p.Thr261Ile; replaces threonine 261 with isoleucine.
Molecular consequence: missense variant.
Genome position (GRCh38, 1-based): chr2:110,163,125, G>A on the plus strand (C>T on the coding strand, the complement: NPHP1 is on the minus strand). VCF-style: chr2-110163125-G-A. GRCh37 (hg19) VCF-style: chr2-110920702-G-A.
Other names: c.950C>T, p.Thr317Ile (NM_000272.5); c.593C>T, p.Thr198Ile (NM_001128179.3); c.779C>T, p.Thr260Ile (NM_001374256.1); c.782C>T, p.Thr261Ile (NM_001374257.1); c.947C>T, p.Thr316Ile (NM_207181.4); short protein forms T198I, T260I, T261I, T316I, T317I.
Identifiers: ClinVar variation 3346562 (VCV003346562.1).
Genomic context (GRCh38, chr2:110,163,125, plus strand): 5'-GAGAGCGTGGAAGGCCTGAACCCTGCAGGAATAGCTCCCATCGTAGTTAACACATCAACA[G>A]TGTTTATCTGCTGAAGACAGTAACATCAAAATGGATTTGTTTTCAGTCATGTTTCTGCAT-3'
Protein context (NP_001121650.1, residues 251-271): VQKAISEQIN[Thr261Ile]VDVLTTMGAI

ClinVar aggregate classification (germline): Uncertain significance (0 of 4 stars; one submission).

Conditions:
NPHP1-related disorder. Also called: NPHP1-related disorders; NPHP1-related condition.

gnomAD v4.1: 3 of 1,610,242 alleles (0.00019%); highest among the groups gnomAD compares: African/African-American, 0.0013%; no homozygotes.

Submission:

PreventionGenetics, part of Exact Sciences
Classification: Uncertain significance for NPHP1-related condition. Last evaluated: 2024-08-30. Review status: no assertion criteria provided. Collection method: clinical testing. Allele origin: germline.
Comment: The NPHP1 c.950C>T variant is predicted to result in the amino acid substitution p.Thr317Ile. To our knowledge, this variant has not been reported in the literature or in a large population database, indicating this variant is rare. At this time, the clinical significance of this variant is uncertain due to the absence of conclusive functional and genetic evidence.